The following is an entry in ClinVar:

ClinVar aggregate classification (germline): Uncertain significance. Review status: criteria provided, multiple submitters, no conflicts (2 of 4 stars). 5 submissions from 4 submitters: Uncertain significance (5). Last evaluated 2022-10-24.

Conditions:
Seckel syndrome 5 (SCKL5). Identifiers: Orphanet 808, MedGen C3151187, MONDO:0013443, OMIM 613823.
Microcephaly 9, primary, autosomal recessive. Identifiers: Orphanet 2512, MedGen C3553886, MONDO:0013923, OMIM 614852.

Allele frequency attached by ClinVar (database versions not stated): gnomAD exomes 0.00006 and 0.00007; ESP Exome Variant Server 0.00008; ExAC 0.00009; 1000 Genomes Project 30x 0.00016; 1000 Genomes Project 0.00020; gnomAD 0.00022 and 0.00024; TOPMed 0.00040.
gnomAD v4.1: 127 of 1,614,220 alleles (0.0079%); highest among the groups gnomAD compares: Middle Eastern, 0.18%; 1 homozygote.

Submissions (5):

Labcorp Genetics (formerly Invitae), Labcorp
Classification: Uncertain significance. Last evaluated: 2022-10-24. Review status: criteria provided, single submitter. Criteria: Invitae Variant Classification Sherloc (09022015). Collection method: clinical testing. Allele origin: germline.
Comment: This sequence change replaces asparagine, which is neutral and polar, with serine, which is neutral and polar, at codon 1483 of the CEP152 protein (p.Asn1483Ser). This variant is present in population databases (rs200366079, gnomAD 0.04%), including at least one homozygous and/or hemizygous individual. This variant has not been reported in the literature in individuals affected with CEP152-related conditions. ClinVar contains an entry for this variant (Variation ID: 886872). Algorithms developed to predict the effect of missense changes on protein structure and function output the following: SIFT: "Tolerated"; PolyPhen-2: "Benign"; Align-GVGD: "Class C0". The serine amino acid residue is found in multiple mammalian species, which suggests that this missense change does not adversely affect protein function. In summary, the available evidence is currently insufficient to determine the role of this variant in disease. Therefore, it has been classified as a Variant of Uncertain Significance.

Fulgent Genetics
Classification: Uncertain significance for Seckel syndrome 5; Microcephaly 9, primary, autosomal recessive. Last evaluated: 2022-05-11. Review status: criteria provided, single submitter. Criteria: ACMG Guidelines, 2015. Collection method: clinical testing. Allele origin: unknown.

Illumina Laboratory Services, Illumina
Classification: Uncertain significance for Microcephaly 9, primary, autosomal recessive. Last evaluated: 2018-01-13. Review status: criteria provided, single submitter. Criteria: ICSL Variant Classification Criteria 13 December 2019. Collection method: clinical testing. Allele origin: germline.

Illumina Laboratory Services, Illumina
Classification: Uncertain significance for Seckel syndrome 5. Last evaluated: 2018-01-13. Review status: criteria provided, single submitter. Criteria: ICSL Variant Classification Criteria 13 December 2019. Collection method: clinical testing. Allele origin: germline.

Breakthrough Genomics
Classification: Uncertain significance. Review status: criteria provided, single submitter. Criteria: ACMG Guidelines, 2015. Collection method: not provided. Allele origin: germline. Inheritance: Autosomal recessive inheritance. Affected: yes.

NM_001194998.2(CEP152):c.4616A>G (p.Asn1539Ser)

Gene: CEP152 (centrosomal protein 152; minus strand). Cytogenetic location: 15q21.1.
Variant type: single nucleotide variant.
Coding change: c.4616A>G on transcript NM_001194998.2 (MANE Select); coding-DNA position 4616, A replaced by G.
Protein change: p.Asn1539Ser; replaces asparagine 1539 with serine.
Molecular consequence: missense variant.
Genome position (GRCh38, 1-based): chr15:48,738,766, T>C on the plus strand (A>G on the coding strand, the complement: CEP152 is on the minus strand). VCF-style: chr15-48738766-T-C. GRCh37 (hg19) VCF-style: chr15-49030963-T-C.
Other names: c.4448A>G, p.Asn1483Ser (NM_014985.4); short protein forms N1539S, N1483S.
Identifiers: ClinVar variation 886872 (VCV000886872.7), dbSNP rs200366079, ClinGen allele CA7548064.